The following is an entry in ClinVar:

ClinVar aggregate classification (germline): Uncertain significance. Review status: criteria provided, multiple submitters, no conflicts (2 of 4 stars). 2 submissions from 2 submitters: Uncertain significance (2). Last evaluated 2024-06-09.

Conditions:
Hereditary cancer-predisposing syndrome. Also called: Neoplastic Syndromes, Hereditary; Tumor predisposition; Hereditary Cancer Syndrome; Hereditary neoplastic syndrome. Identifiers: Orphanet 140162, MedGen C0027672, MeSH D009386, MONDO:0015356.
Hereditary nonpolyposis colorectal neoplasms. Identifiers: MedGen C0009405, MeSH D003123.

Submissions (2):

Labcorp Genetics (formerly Invitae), Labcorp
Classification: Uncertain significance for Hereditary nonpolyposis colorectal neoplasms. Last evaluated: 2024-06-09. Review status: criteria provided, single submitter. Criteria: Invitae Variant Classification Sherloc (09022015). Collection method: clinical testing. Allele origin: germline.
Comment: This sequence change replaces lysine, which is basic and polar, with asparagine, which is neutral and polar, at codon 498 of the MSH6 protein (p.Lys498Asn). This variant is not present in population databases (gnomAD no frequency). This variant has not been reported in the literature in individuals affected with MSH6-related conditions. ClinVar contains an entry for this variant (Variation ID: 650552). Advanced modeling of protein sequence and biophysical properties (such as structural, functional, and spatial information, amino acid conservation, physicochemical variation, residue mobility, and thermodynamic stability) performed at Invitae indicates that this missense variant is not expected to disrupt MSH6 protein function with a negative predictive value of 95%. In summary, the available evidence is currently insufficient to determine the role of this variant in disease. Therefore, it has been classified as a Variant of Uncertain Significance.

Ambry Genetics
Classification: Uncertain significance for Hereditary cancer-predisposing syndrome. Last evaluated: 2019-07-12. Review status: criteria provided, single submitter. Criteria: Ambry Variant Classification Scheme 2023. Collection method: clinical testing. Allele origin: germline.
Comment: The p.K498N variant (also known as c.1494G>C), located in coding exon 4 of the MSH6 gene, results from a G to C substitution at nucleotide position 1494. The lysine at codon 498 is replaced by asparagine, an amino acid with similar properties. This amino acid position is not well conserved in available vertebrate species. In addition, this alteration is predicted to be tolerated by in silico analysis. Since supporting evidence is limited at this time, the clinical significance of this alteration remains unclear.

NM_000179.3(MSH6):c.1494G>C (p.Lys498Asn)

Gene: MSH6 (mutS homolog 6; plus strand). Cytogenetic location: 2p16.3.
Variant type: single nucleotide variant.
Coding change: c.1494G>C on transcript NM_000179.3 (MANE Select); coding-DNA position 1494, G replaced by C.
Protein change: p.Lys498Asn; replaces lysine 498 with asparagine.
Molecular consequence: missense variant.
Genome position (GRCh38, 1-based): chr2:47,799,477, G>C. VCF-style: chr2-47799477-G-C. GRCh37 (hg19) VCF-style: chr2-48026616-G-C.
Other names: c.1104G>C, p.Lys368Asn (NM_001281492.2); c.588G>C, p.Lys196Asn (NM_001281493.2, NM_001281494.2); short protein forms K196N, K368N, K498N.
Identifiers: ClinVar variation 650552 (VCV000650552.12), dbSNP rs1572723194, ClinGen allele CA346746138.
Genomic context (GRCh38, chr2:47,799,477, plus strand): 5'-TAAAGTAGCACGAGTGGAACAGACTGAGACTCCAGAAATGATGGAGGCACGATGTAGAAA[G>C]ATGGCACATATATCCAAGTATGATAGAGTGGTGAGGAGGGAGATCTGTAGGATCATTACC-3'
Protein context (NP_000170.1, residues 488-508): TPEMMEARCR[Lys498Asn]MAHISKYDRV